The following is an entry in ClinVar:

NM_032447.5(FBN3):c.1465+4C>T

Gene: FBN3 (fibrillin 3; minus strand). Cytogenetic location: 19p13.2.
Variant type: single nucleotide variant.
Coding change: c.1465+4C>T on transcript NM_032447.5 (MANE Select); 4 bases into the intron after coding-DNA position 1465, C replaced by T.
Molecular consequence: intron variant.
Genome position (GRCh38, 1-based): chr19:8,136,186, G>A on the plus strand (C>T on the coding strand, the complement: FBN3 is on the minus strand). VCF-style: chr19-8136186-G-A. GRCh37 (hg19) VCF-style: chr19-8201070-G-A.
Other names: c.1465+4C>T (NM_001321431.2).
Identifiers: ClinVar variation 3707335 (VCV003707335.2).
Genomic context (GRCh38, chr19:8,136,186, plus strand): 5'-ACCCTCCAAGCCTGGGCCAGAACCCCCAACAACATCACCCCTACTCTTGGATGGACAGCC[G>A]TACCCACGCATGCCTGCCTGGTGGGCGTGGCCTGGAAGCCCGGGTAGCACCGGCAGTGGT-3'

ClinVar aggregate classification (germline): Uncertain significance (1 of 4 stars; one submission).

gnomAD v4.1: 23 of 1,613,536 alleles (0.0014%); highest among the groups gnomAD compares: African/African-American, 0.0067%; no homozygotes.

Submission:

Labcorp Genetics (formerly Invitae), Labcorp
Classification: Uncertain significance. Last evaluated: 2024-04-02. Review status: criteria provided, single submitter. Criteria: Invitae Variant Classification Sherloc (09022015). Collection method: clinical testing. Allele origin: germline.
Comment: This sequence change falls in intron 12 of the FBN3 gene. It does not directly change the encoded amino acid sequence of the FBN3 protein. It affects a nucleotide within the consensus splice site. The frequency data for this variant in the population databases is considered unreliable, as metrics indicate poor data quality at this position in the gnomAD database. This variant has not been reported in the literature in individuals affected with FBN3-related conditions. Variants that disrupt the consensus splice site are a relatively common cause of aberrant splicing (PMID: 17576681, 9536098). Algorithms developed to predict the effect of sequence changes on RNA splicing suggest that this variant is not likely to affect RNA splicing. In summary, the available evidence is currently insufficient to determine the role of this variant in disease. Therefore, it has been classified as a Variant of Uncertain Significance.

Literature cited by the submitters: PubMed 17576681; PubMed 9536098.